The following is an entry in ClinVar:

NM_001943.5(DSG2):c.-12G>A

Genes: DSG2 (desmoglein 2; plus strand), LOC130062340 (ATAC-STARR-seq lymphoblastoid silent region 9384; plus strand). Cytogenetic location: 18q12.1.
Variant type: single nucleotide variant.
Coding change: c.-12G>A on transcript NM_001943.5 (MANE Select); 12 bases upstream of the start codon, G replaced by A.
Molecular consequence: 5 prime UTR variant.
Genome position (GRCh38, 1-based): chr18:31,498,240, G>A. VCF-style: chr18-31498240-G-A. GRCh37 (hg19) VCF-style: chr18-29078203-G-A.
Identifiers: ClinVar variation 922399 (VCV000922399.5), dbSNP rs1011787097, ClinGen allele CA629147180.

ClinVar aggregate classification (germline): Uncertain significance. Review status: criteria provided, multiple submitters, no conflicts (2 of 4 stars). 2 submissions from 2 submitters: Uncertain significance (2). Last evaluated 2024-03-24.

Conditions:
Arrhythmogenic right ventricular cardiomyopathy (ARVD). Also called: Arrhythmogenic cardiomyopathy; Cardiomyopathy, ARVC; Arrhythmogenic right ventricular dysplasia; Arrhythmogenic Right Ventricular Cardiomyopathy (ARVC). Identifiers: Orphanet 247, MedGen C0349788, MeSH D019571, MONDO:0016587. Disease mechanism: loss of function. Inheritance: Various modes of inheritance.
Cardiomyopathy (CMYO). Also called: Cardiomyopathies. Identifiers: Orphanet 167848, MedGen C0878544, MONDO:0004994, HP:0001638. Inheritance: Various modes of inheritance.

Allele frequency attached by ClinVar (database versions not stated): gnomAD exomes below 0.00001; gnomAD 0.00001; TOPMed 0.00001.
gnomAD v4.1: 4 of 1,255,096 alleles (0.00032%); highest among the groups gnomAD compares: South Asian, 0.0039%; no homozygotes.

Submissions (2):

All of Us Research Program, National Institutes of Health
Classification: Uncertain significance for Arrhythmogenic right ventricular cardiomyopathy. Last evaluated: 2024-03-24. Review status: criteria provided, single submitter. Criteria: ACMG Guidelines, 2015. Collection method: clinical testing. Allele origin: germline. Inheritance: Autosomal dominant inheritance. Observed: 1 variant allele, 1 heterozygote.
Comment: This variant is located in the 5' untranslated region of the DSG2 gene. To our knowledge, functional studies have not been performed for this variant. This variant has not been reported in individuals affected with cardiovascular disorders in the literature. This variant has been identified in 1/31082 chromosomes in the general population by the Genome Aggregation Database (gnomAD). The available evidence is insufficient to determine the role of this variant in disease conclusively. Therefore, this variant is classified as a Variant of Uncertain Significance.

This study involves interpretation of variants in research participants for the purpose of population health screening. Participant phenotype was not available at the time of variant classification. Additional details can be found in publication PMID: 35346344, PMCID: PMC8962531

Color Diagnostics, LLC DBA Color Health
Classification: Uncertain significance for Cardiomyopathy. Last evaluated: 2024-03-08. Review status: criteria provided, single submitter. Criteria: ACMG Guidelines, 2015. Collection method: clinical testing. Allele origin: germline.
Comment: This variant is located in the 5' untranslated region of the DSG2 gene. To our knowledge, functional studies have not been performed for this variant. This variant has not been reported in individuals affected with cardiovascular disorders in the literature. This variant has been identified in 1/31082 chromosomes in the general population by the Genome Aggregation Database (gnomAD). The available evidence is insufficient to determine the role of this variant in disease conclusively. Therefore, this variant is classified as a Variant of Uncertain Significance.